The following is an entry in ClinVar:

NM_024496.4(IRF2BPL):c.1447C>A (p.Arg483Ser)

Gene: IRF2BPL (interferon regulatory factor 2 binding protein like; minus strand). Cytogenetic location: 14q24.3.
Variant type: single nucleotide variant.
Coding change: c.1447C>A on transcript NM_024496.4 (MANE Select); coding-DNA position 1447, C replaced by A.
Protein change: p.Arg483Ser; replaces arginine 483 with serine.
Molecular consequence: missense variant.
Genome position (GRCh38, 1-based): chr14:77,026,346, G>T on the plus strand (C>A on the coding strand, the complement: IRF2BPL is on the minus strand). VCF-style: chr14-77026346-G-T. GRCh37 (hg19) VCF-style: chr14-77492689-G-T.
Other names: p.Arg483Ser; short protein forms R483S.
Identifiers: ClinVar variation 4541889 (VCV004541889.1).

ClinVar aggregate classification (germline): Uncertain significance (1 of 4 stars; one submission).

Submission:

Mayo Clinic Laboratories, Mayo Clinic
Classification: Uncertain significance. Last evaluated: 2025-06-09. Review status: criteria provided, single submitter. Criteria: ACMG Guidelines, 2015. Collection method: clinical testing. Allele origin: germline. Observed: 1 variant allele.
Comment: PM2_supporting